The following is an entry in ClinVar:

ClinVar aggregate classification (germline): Likely benign (1 of 4 stars; one submission).

Conditions:
Renal hypomagnesemia 4. Also called: HYPOMAGNESEMIA, RENAL, NORMOCALCIURIC. Identifiers: Orphanet 34527, MedGen C2673648, MONDO:0012717, OMIM 611718.

Allele frequency attached by ClinVar (database versions not stated): 1000 Genomes Project 0.00060; 1000 Genomes Project 30x 0.00062; gnomAD 0.00062 and 0.00064; TOPMed 0.00096.

Submission:

Illumina Laboratory Services, Illumina
Classification: Likely benign for Renal hypomagnesemia 4. Last evaluated: 2018-01-12. Review status: criteria provided, single submitter. Criteria: ICSL Variant Classification Criteria 13 December 2019. Collection method: clinical testing. Allele origin: germline.
Comment: This variant was observed in the ICSL laboratory as part of a predisposition screen in an ostensibly healthy population. It had not been previously curated by ICSL or reported in the Human Gene Mutation Database (HGMD: prior to June 1st, 2018), and was therefore a candidate for classification through an automated scoring system. Utilizing variant allele frequency, disease prevalence and penetrance estimates, and inheritance mode, an automated score was calculated to assess if this variant is too frequent to cause the disease. Based on the score and internal cut-off values, a variant classified as likely benign is not then subjected to further curation. The score for this variant resulted in a classification of likely benign for this disease.

NM_001963.6(EGF):c.*1118A>C

Gene: EGF (epidermal growth factor; plus strand). Cytogenetic location: 4q25.
Variant type: single nucleotide variant.
Coding change: c.*1118A>C on transcript NM_001963.6 (MANE Select); 1118 bases downstream of the stop codon, A replaced by C.
Molecular consequence: 3 prime UTR variant.
Genome position (GRCh38, 1-based): chr4:110,012,573, A>C. VCF-style: chr4-110012573-A-C. GRCh37 (hg19) VCF-style: chr4-110933729-A-C.
Other names: c.*1118A>C (NM_001178130.3, NM_001178131.3); c.*1261A>C (NM_001357021.2).
Identifiers: ClinVar variation 347281 (VCV000347281.5), dbSNP rs183204371, ClinGen allele CA10617768.